The following is an entry in ClinVar:

NM_015932.6(POMP):c.334A>G (p.Ile112Val)

Gene: POMP (proteasome maturation protein; plus strand). Cytogenetic location: 13q12.3.
Variant type: single nucleotide variant.
Coding change: c.334A>G on transcript NM_015932.6 (MANE Select); coding-DNA position 334, A replaced by G.
Protein change: p.Ile112Val; replaces isoleucine 112 with valine.
Molecular consequence: missense variant.
Genome position (GRCh38, 1-based): chr13:28,672,408, A>G. VCF-style: chr13-28672408-A-G. GRCh37 (hg19) VCF-style: chr13-29246545-A-G.
Other names: c.334A>G (NM_015932.5); short protein forms I112V.
Identifiers: ClinVar variation 2193277 (VCV002193277.5), dbSNP rs143612256, ClinGen allele CA6931094.

ClinVar aggregate classification (germline): Uncertain significance. Review status: criteria provided, multiple submitters, no conflicts (2 of 4 stars). 2 submissions from 2 submitters: Uncertain significance (2). Last evaluated 2025-08-26.

Conditions:
Inborn genetic diseases. Identifiers: MedGen C0950123, MeSH D030342.

Allele frequency attached by ClinVar (database versions not stated): TOPMed 0.00001; ExAC 0.00002; gnomAD 0.00002; gnomAD exomes 0.00002; ESP Exome Variant Server 0.00015.
gnomAD v4.1: 31 of 1,603,120 alleles (0.0019%); highest among the groups gnomAD compares: Non-Finnish European, 0.0024%; no homozygotes.

Submissions (2):

Labcorp Genetics (formerly Invitae), Labcorp
Classification: Uncertain significance. Last evaluated: 2025-08-26. Review status: criteria provided, single submitter. Criteria: Invitae Variant Classification Sherloc (09022015). Collection method: clinical testing. Allele origin: germline.
Comment: This sequence change replaces isoleucine, which is neutral and non-polar, with valine, which is neutral and non-polar, at codon 112 of the POMP protein (p.Ile112Val). This variant is present in population databases (rs143612256, gnomAD 0.003%). This variant has not been reported in the literature in individuals affected with POMP-related conditions. ClinVar contains an entry for this variant (Variation ID: 2193277). An algorithm developed to predict the effect of missense changes on protein structure and function outputs the following: PolyPhen-2: "Benign". The valine amino acid residue is found in multiple mammalian species, which suggests that this missense change does not adversely affect protein function. In summary, the available evidence is currently insufficient to determine the role of this variant in disease. Therefore, it has been classified as a Variant of Uncertain Significance.

Ambry Genetics
Classification: Uncertain significance for Inborn genetic diseases. Last evaluated: 2024-02-28. Review status: criteria provided, single submitter. Criteria: Ambry Variant Classification Scheme 2023. Collection method: clinical testing. Allele origin: germline.